The following is an entry in ClinVar:

ClinVar aggregate classification (germline): Uncertain significance (1 of 4 stars; one submission).

Conditions:
Peroxisome biogenesis disorder. Identifiers: Orphanet 79189, MedGen C1832200, MONDO:0019234. Disease mechanism: loss of function.

Submission:

Labcorp Genetics (formerly Invitae), Labcorp
Classification: Uncertain significance for Peroxisome biogenesis disorder. Last evaluated: 2022-02-20. Review status: criteria provided, single submitter. Criteria: Invitae Variant Classification Sherloc (09022015). Collection method: clinical testing. Allele origin: germline.
Comment: This sequence change replaces tyrosine, which is neutral and polar, with phenylalanine, which is neutral and non-polar, at codon 337 of the PEX6 protein (p.Tyr337Phe). This variant is not present in population databases (gnomAD no frequency). This variant has not been reported in the literature in individuals affected with PEX6-related conditions. Algorithms developed to predict the effect of missense changes on protein structure and function (SIFT, PolyPhen-2, Align-GVGD) all suggest that this variant is likely to be tolerated. In summary, the available evidence is currently insufficient to determine the role of this variant in disease. Therefore, it has been classified as a Variant of Uncertain Significance.

NM_000287.4(PEX6):c.1010A>T (p.Tyr337Phe)

Gene: PEX6 (peroxisomal biogenesis factor 6; minus strand). Cytogenetic location: 6p21.1.
Variant type: single nucleotide variant.
Coding change: c.1010A>T on transcript NM_000287.4 (MANE Select); coding-DNA position 1010, A replaced by T.
Protein change: p.Tyr337Phe; replaces tyrosine 337 with phenylalanine.
Molecular consequence: missense variant. On other transcripts: non-coding transcript variant (1).
Genome position (GRCh38, 1-based): chr6:42,974,911, T>A on the plus strand (A>T on the coding strand, the complement: PEX6 is on the minus strand). VCF-style: chr6-42974911-T-A. GRCh37 (hg19) VCF-style: chr6-42942649-T-A.
Other names: c.746A>T, p.Tyr249Phe (NM_001316313.2); short protein forms Y249F, Y337F.
Identifiers: ClinVar variation 2154802 (VCV002154802.4), dbSNP rs2481257951, ClinGen allele CA364159555.